The following is an entry in ClinVar:

ClinVar aggregate classification (germline): Uncertain significance. Review status: criteria provided, multiple submitters, no conflicts (2 of 4 stars). 4 submissions from 4 submitters: Uncertain significance (4). Last evaluated 2024-09-23.

Allele frequency attached by ClinVar (database versions not stated): ExAC 0.00003; gnomAD exomes 0.00003.
gnomAD v4.1: 57 of 1,613,306 alleles (0.0035%); highest among the groups gnomAD compares: African/African-American, 0.037%; 1 homozygote.

Submissions (4):

Mayo Clinic Laboratories, Mayo Clinic
Classification: Uncertain significance. Last evaluated: 2024-09-23. Review status: criteria provided, single submitter. Criteria: ACMG Guidelines, 2015. Collection method: clinical testing. Allele origin: germline. Observed: 1 variant allele.
Comment: BP4

Labcorp Genetics (formerly Invitae), Labcorp
Classification: Uncertain significance. Last evaluated: 2023-07-21. Review status: criteria provided, single submitter. Criteria: Invitae Variant Classification Sherloc (09022015). Collection method: clinical testing. Allele origin: germline.
Comment: In summary, the available evidence is currently insufficient to determine the role of this variant in disease. Therefore, it has been classified as a Variant of Uncertain Significance. Advanced modeling of protein sequence and biophysical properties (such as structural, functional, and spatial information, amino acid conservation, physicochemical variation, residue mobility, and thermodynamic stability) performed at Invitae indicates that this missense variant is not expected to disrupt SNX14 protein function. ClinVar contains an entry for this variant (Variation ID: 1220203). This variant has not been reported in the literature in individuals affected with SNX14-related conditions. This variant is present in population databases (rs764098295, gnomAD 0.01%). This sequence change replaces proline, which is neutral and non-polar, with leucine, which is neutral and non-polar, at codon 311 of the SNX14 protein (p.Pro311Leu).

GeneDx
Classification: Uncertain significance. Last evaluated: 2018-09-07. Review status: criteria provided, single submitter. Criteria: GeneDx Variant Classification Process June 2021. Collection method: clinical testing. Allele origin: germline. Affected: yes.
Comment: In silico analysis, which includes protein predictors and evolutionary conservation, supports a deleterious effect; Has not been previously published as pathogenic or benign to our knowledge

Breakthrough Genomics
Classification: Uncertain significance. Review status: criteria provided, single submitter. Criteria: ACMG Guidelines, 2015. Collection method: not provided. Allele origin: germline. Inheritance: Autosomal recessive inheritance. Affected: yes.

NM_153816.6(SNX14):c.932C>T (p.Pro311Leu)

Gene: SNX14 (sorting nexin 14; minus strand). Cytogenetic location: 6q14.3.
Variant type: single nucleotide variant.
Coding change: c.932C>T on transcript NM_153816.6 (MANE Select); coding-DNA position 932, C replaced by T.
Protein change: p.Pro311Leu; replaces proline 311 with leucine.
Molecular consequence: missense variant. On other transcripts: 5 prime UTR variant (7), non-coding transcript variant (6).
Genome position (GRCh38, 1-based): chr6:85,547,378, G>A on the plus strand (C>T on the coding strand, the complement: SNX14 is on the minus strand). VCF-style: chr6-85547378-G-A. GRCh37 (hg19) VCF-style: chr6-86257096-G-A.
Other names: p.Pro311Leu; c.932C>T, p.Pro311Leu (NM_001297614.3, NM_001350540.2, NM_001350541.2); c.776C>T, p.Pro259Leu (NM_001304479.2); c.995C>T, p.Pro332Leu (NM_001350532.2); c.929C>T, p.Pro310Leu (NM_001350533.2, NM_001350534.2, NM_001350535.2); c.800C>T, p.Pro267Leu (NM_001350536.2, NM_020468.6); c.797C>T, p.Pro266Leu (NM_001350537.2); c.788C>T, p.Pro263Leu (NM_001350538.2); and 8 more; short protein forms P163L, P211L, P214L, P215L, P258L, P259L, P263L, P266L.
Identifiers: ClinVar variation 1220203 (VCV001220203.10), dbSNP rs764098295, ClinGen allele CA3912270.